The following is an entry in ClinVar:

NM_000256.3(MYBPC3):c.2067+4C>G

Gene: MYBPC3 (myosin binding protein C3; minus strand). Cytogenetic location: 11p11.2.
Variant type: single nucleotide variant.
Coding change: c.2067+4C>G on transcript NM_000256.3 (MANE Select); 4 bases into the intron after coding-DNA position 2067, C replaced by G.
Molecular consequence: intron variant.
Genome position (GRCh38, 1-based): chr11:47,339,647, G>C on the plus strand (C>G on the coding strand, the complement: MYBPC3 is on the minus strand). VCF-style: chr11-47339647-G-C. GRCh37 (hg19) VCF-style: chr11-47361198-G-C.
Identifiers: ClinVar variation 1005303 (VCV001005303.6), dbSNP rs2095886229, ClinGen allele CA1969333360.

ClinVar aggregate classification (germline): Uncertain significance (1 of 4 stars; one submission).

Conditions:
Hypertrophic cardiomyopathy. Also called: HYPERTROPHIC MYOCARDIOPATHY. Identifiers: Orphanet 217569, MedGen C0007194, MeSH D002312, MONDO:0005045, HP:0001639.

Submission:

Labcorp Genetics (formerly Invitae), Labcorp
Classification: Uncertain significance for Hypertrophic cardiomyopathy. Last evaluated: 2020-08-02. Review status: criteria provided, single submitter. Criteria: Invitae Variant Classification Sherloc (09022015). Collection method: clinical testing. Allele origin: germline.
Comment: This sequence change falls in intron 21 of the MYBPC3 gene. It does not directly change the encoded amino acid sequence of the MYBPC3 protein, but it affects a nucleotide within the consensus splice site of the intron. In summary, the available evidence is currently insufficient to determine the role of this variant in disease. Therefore, it has been classified as a Variant of Uncertain Significance. Nucleotide substitutions within the consensus splice site are a relatively common cause of aberrant splicing (PMID: 17576681, 9536098). Algorithms developed to predict the effect of sequence changes on RNA splicing suggest that this variant may disrupt the consensus splice site, but this prediction has not been confirmed by published transcriptional studies. This variant has not been reported in the literature in individuals with MYBPC3-related conditions. This variant is not present in population databases (ExAC no frequency).

Literature cited by the submitters: PubMed 17576681; PubMed 9536098.